The following is an entry in ClinVar:

ClinVar aggregate classification (germline): Uncertain significance (1 of 4 stars; one submission).

Conditions:
Chédiak-Higashi syndrome (CHS). Also called: Chediak-Higashi Syndrome. Identifiers: Orphanet 167, MedGen C0007965, MONDO:0008963, OMIM 214500.

Allele frequency attached by ClinVar (database versions not stated): TOPMed below 0.00001; gnomAD exomes 0.00001.
gnomAD v4.1: 11 of 1,613,224 alleles (0.00068%); highest among the groups gnomAD compares: East Asian, 0.011%; no homozygotes.

Submission:

Labcorp Genetics (formerly Invitae), Labcorp
Classification: Uncertain significance for Chédiak-Higashi syndrome. Last evaluated: 2022-03-12. Review status: criteria provided, single submitter. Criteria: Invitae Variant Classification Sherloc (09022015). Collection method: clinical testing. Allele origin: germline.
Comment: This sequence change replaces glycine, which is neutral and non-polar, with aspartic acid, which is acidic and polar, at codon 1812 of the LYST protein (p.Gly1812Asp). This variant is present in population databases (no rsID available, gnomAD 0.01%). This variant has not been reported in the literature in individuals affected with LYST-related conditions. Algorithms developed to predict the effect of missense changes on protein structure and function are either unavailable or do not agree on the potential impact of this missense change (SIFT: "Deleterious"; PolyPhen-2: "Probably Damaging"; Align-GVGD: "Class C15"). In summary, the available evidence is currently insufficient to determine the role of this variant in disease. Therefore, it has been classified as a Variant of Uncertain Significance.

NM_000081.4(LYST):c.5435G>A (p.Gly1812Asp)

Gene: LYST (lysosomal trafficking regulator; minus strand). Cytogenetic location: 1q42.3.
Variant type: single nucleotide variant.
Coding change: c.5435G>A on transcript NM_000081.4 (MANE Select); coding-DNA position 5435, G replaced by A.
Protein change: p.Gly1812Asp; replaces glycine 1812 with aspartic acid.
Molecular consequence: missense variant.
Genome position (GRCh38, 1-based): chr1:235,777,088, C>T on the plus strand (G>A on the coding strand, the complement: LYST is on the minus strand). VCF-style: chr1-235777088-C-T. GRCh37 (hg19) VCF-style: chr1-235940388-C-T.
Other names: c.5435G>A, p.Gly1812Asp (NM_001301365.1); short protein forms G1812D.
Identifiers: ClinVar variation 2039349 (VCV002039349.1), dbSNP rs1455326509, ClinGen allele CA344952542.
Genomic context (GRCh38, chr1:235,777,088, plus strand): 5'-TCTCTTTAGACAAAACTATAAGCAGTGATTCTTACCCTGGCAAAGAGAAAAACAAATATG[C>T]CAGTTCCACCAATTTCGTGCAGAATGCCTTGAATAGTTTTATATTCAGTAGGTTGGAGAT-3'
Protein context (NP_000072.2, residues 1802-1822): QGILHEIGGT[Gly1812Asp]IFVFLFARVV